The following is an entry in ClinVar:

ClinVar aggregate classification (germline): Pathogenic. Review status: criteria provided, multiple submitters, no conflicts (2 of 4 stars). 4 submissions from 4 submitters: Pathogenic (3). 1 of the submissions does not count toward it. Last evaluated 2024-11-06.

Conditions:
KRT14-related disorder. Also called: KRT14-related condition.

Submissions (4):

PreventionGenetics, part of Exact Sciences
Classification: Pathogenic for KRT14-related condition. Last evaluated: 2024-11-06. Review status: criteria provided, single submitter. Criteria: ACMG Guidelines, 2015. Collection method: clinical testing. Allele origin: germline.
Comment: The KRT14 c.374G>T variant is predicted to result in the amino acid substitution p.Arg125Leu. This variant has been reported as either inherited or a recurrent de novo variant, in individuals with epidermolysis bullosa simplex (see for example, Oldak et al. 2010. PubMed ID: 19854623; Kang et al. 2010. PubMed ID: 20060687; Zhang et al. 2019. PubMed ID: 31772641). This variant has not been reported in a large population database (gnomAD), indicating it is rare. This variant occurs at a mutation hotspot residue, p.Arg125, where other missense substitutions (p.Arg125His, p.Arg125Cys, and p.Arg125Ser) have been frequently reported in individuals with epidermolysis bullosa (Chen et al. 1995. PubMed ID: 7561171; Table S1, Chen et al. 2020. PubMed ID: 32484238; Chen et al. 2023. PubMed ID: 36287101). In summary, the c.374G>T (p.Arg125Leu) variant is interpreted as pathogenic.

GeneDx
Classification: Pathogenic. Last evaluated: 2022-08-26. Review status: criteria provided, single submitter. Criteria: GeneDx Variant Classification Process June 2021. Collection method: clinical testing. Allele origin: germline. Affected: yes.
Comment: Located in the highly conserved helix initiation motif of the alpha-helical rod domain, which is intolerant to change; variants in this motif interfere with proper keratin intermediate filament assembly and function, resulting in skin fragility and/or hyperkeratosis (Chamcheu et al., 2011); In silico analysis supports that this missense variant has a deleterious effect on protein structure/function; Not observed at significant frequency in large population cohorts (gnomAD); This variant is associated with the following publications: (PMID: 20060687, 26432462, 31772641, 32484238, 19854623, 21176769)

Labcorp Genetics (formerly Invitae), Labcorp
Classification: Pathogenic. Last evaluated: 2022-04-07. Review status: criteria provided, single submitter. Criteria: Invitae Variant Classification Sherloc (09022015). Collection method: clinical testing. Allele origin: germline.
Comment: This sequence change replaces arginine, which is basic and polar, with leucine, which is neutral and non-polar, at codon 125 of the KRT14 protein (p.Arg125Leu). This variant is not present in population databases (gnomAD no frequency). This missense change has been observed in individual(s) with autosomal dominant epidermolysis bullosa simplex (PMID: 19854623, 31772641). In at least one individual the variant was observed to be de novo. ClinVar contains an entry for this variant (Variation ID: 66349). Advanced modeling of protein sequence and biophysical properties (such as structural, functional, and spatial information, amino acid conservation, physicochemical variation, residue mobility, and thermodynamic stability) performed at Invitae indicates that this missense variant is expected to disrupt KRT14 protein function. This variant disrupts the p.Arg125 amino acid residue in KRT14. Other variant(s) that disrupt this residue have been determined to be pathogenic (PMID: 1717157, 16098032). This suggests that this residue is clinically significant, and that variants that disrupt this residue are likely to be disease-causing. For these reasons, this variant has been classified as Pathogenic.

Epithelial Biology;  Institute of Medical Biology, Singapore
No classification provided. Review status: no classification provided. Collection method: not provided. Allele origin: not provided. Not counted in ClinVar's aggregate classification.

Literature cited by the submitters: PubMed 19854623 (cited by Labcorp Genetics (formerly Invitae), Labcorp); PubMed 31772641 (cited by Labcorp Genetics (formerly Invitae), Labcorp); PubMed 1717157 (cited by Labcorp Genetics (formerly Invitae), Labcorp); PubMed 16098032 (cited by Labcorp Genetics (formerly Invitae), Labcorp).

NM_000526.5(KRT14):c.374G>T (p.Arg125Leu)

Gene: KRT14 (keratin 14; minus strand). Cytogenetic location: 17q21.2.
Variant type: single nucleotide variant.
Coding change: c.374G>T on transcript NM_000526.5 (MANE Select); coding-DNA position 374, G replaced by T.
Protein change: p.Arg125Leu; replaces arginine 125 with leucine.
Molecular consequence: missense variant.
Genome position (GRCh38, 1-based): chr17:41,586,461, C>A on the plus strand (G>T on the coding strand, the complement: KRT14 is on the minus strand). VCF-style: chr17-41586461-C-A. GRCh37 (hg19) VCF-style: chr17-39742713-C-A.
Other names: short protein forms R125L.
Identifiers: ClinVar variation 66349 (VCV000066349.7), dbSNP rs58330629, ClinGen allele CA216925.